The following is an entry in ClinVar:

NM_001290060.2(SEMA3B):c.2154A>T (p.Ser718=)

Gene: SEMA3B (semaphorin 3B; plus strand). Cytogenetic location: 3p21.31.
Variant type: single nucleotide variant.
Coding change: c.2154A>T on transcript NM_001290060.2 (MANE Select); coding-DNA position 2154, A replaced by T.
Protein change: p.Ser718=; no amino-acid change (serine 718 retained).
Molecular consequence: synonymous variant. On other transcripts: non-coding transcript variant (1).
Genome position (GRCh38, 1-based): chr3:50,276,610, A>T. VCF-style: chr3-50276610-A-T. GRCh37 (hg19) VCF-style: chr3-50314041-A-T.
Other names: c.2151A>T, p.Ser717= (NM_001005914.3, NM_001435957.1, NM_001435958.1); c.2169A>T, p.Ser723= (NM_001290061.1); c.1125A>T, p.Ser375= (NM_001290062.2, NM_001290063.2); c.2154A>T, p.Ser718= (NM_001435956.1, NM_004636.4).
Identifiers: ClinVar variation 4993709 (VCV004993709.1).
Genomic context (GRCh38, chr3:50,276,610, plus strand): 5'-GGGCGGAGGTGGCAGCGCGAACTCCCTGCGCATGTGCCGCCCGCAGCCTGCGCTGCAGTC[A>T]CTGCCCCTGGAGTCGCGGAGAAAGGGCCGTAACCGGAGGACCCACGCCCCTGAGCCTCGC-3'
Protein context (NP_001276989.1, residues 708-728): RMCRPQPALQ[Ser718=]LPLESRRKGR

ClinVar aggregate classification (germline): Likely benign (1 of 4 stars; one submission).

Conditions:
SEMA3B-related disorder. Also called: SEMA3B-related condition.

Submission:

PreventionGenetics, part of Exact Sciences
Classification: Likely benign for SEMA3B-related condition. Last evaluated: 2025-10-06. Review status: criteria provided, single submitter. Criteria: ACMG Guidelines, 2015. Collection method: clinical testing. Allele origin: germline.
Comment: This variant is classified as likely benign based on ACMG/AMP sequence variant interpretation guidelines (Richards et al. 2015 PMID: 25741868, with internal and published modifications).